The following is an entry in ClinVar:

ClinVar aggregate classification (germline): Pathogenic (1 of 4 stars; one submission).

Conditions:
Interstitial lung disease due to ABCA3 deficiency. Also called: PULMONARY ALVEOLAR PROTEINOSIS, CONGENITAL, 3. Identifiers: Orphanet 440402, MedGen C1970456, MONDO:0012582, OMIM 610921.

Submission:

Myriad Genetics, Inc.
Classification: Pathogenic for Interstitial lung disease due to ABCA3 deficiency. Last evaluated: 2026-01-26. Review status: criteria provided, single submitter. Criteria: Myriad Autosomal Dominant, Autosomal Recessive and X-Linked Classification Criteria (2023). Collection method: clinical testing. Allele origin: unknown.
Comment: NM_001089.2(ABCA3):c.1549G>T(E517*) is expected to be pathogenic in the context of surfactant deficiency, ABCA3-related. This variant is predicted to lead to an abnormal or absent protein product due to the creation of a premature termination codon in ABCA3, a gene where loss-of-function variants are known to be pathogenic. Please note: this variant was assessed in the context of healthy population screening.

NM_001089.3(ABCA3):c.1549G>T (p.Glu517Ter)

Gene: ABCA3 (ATP binding cassette subfamily A member 3; minus strand). Cytogenetic location: 16p13.3.
Variant type: single nucleotide variant.
Coding change: c.1549G>T on transcript NM_001089.3 (MANE Select); coding-DNA position 1549, G replaced by T.
Protein change: p.Glu517Ter; replaces glutamic acid 517 with a stop codon.
Molecular consequence: nonsense.
Genome position (GRCh38, 1-based): chr16:2,300,067, C>A on the plus strand (G>T on the coding strand, the complement: ABCA3 is on the minus strand). VCF-style: chr16-2300067-C-A. GRCh37 (hg19) VCF-style: chr16-2350068-C-A.
Other names: short protein forms E517*.
Identifiers: ClinVar variation 5015487 (VCV005015487.1).
Genomic context (GRCh38, chr16:2,300,067, plus strand): 5'-TGGACAGGTGCTTGATCTTGATCCCCGCCACCAGGTCCTCTGGCTCGGCTTCAAAGTACT[C>A]GTTTCTGAGTGCTTTCTCGGGGTCACTGTCTTCTTCCTCCTTCCCTGCAACCGCCCTTGG-3'